The following is an entry in ClinVar:

NM_024312.5(GNPTAB):c.142C>G (p.Gln48Glu)

Gene: GNPTAB (N-acetylglucosamine-1-phosphate transferase subunits alpha and beta; minus strand). Cytogenetic location: 12q23.2.
Variant type: single nucleotide variant.
Coding change: c.142C>G on transcript NM_024312.5 (MANE Select); coding-DNA position 142, C replaced by G.
Protein change: p.Gln48Glu; replaces glutamine 48 with glutamic acid.
Molecular consequence: missense variant.
Genome position (GRCh38, 1-based): chr12:101,796,738, G>C on the plus strand (C>G on the coding strand, the complement: GNPTAB is on the minus strand). VCF-style: chr12-101796738-G-C. GRCh37 (hg19) VCF-style: chr12-102190516-G-C.
Other names: short protein forms Q48E.
Identifiers: ClinVar variation 1356825 (VCV001356825.1), dbSNP rs2137158804, ClinGen allele CA386305780.

ClinVar aggregate classification (germline): Uncertain significance (1 of 4 stars; one submission).

Conditions:
Pseudo-Hurler polydystrophy. Also called: ML III; ML III ALPHA/BETA; MUCOLIPIDOSIS IIIA; Type III Mucolipidosis; ML IIIA; Mucolipidosis III Alpha/Beta. Identifiers: Orphanet 423461, Orphanet 577, MedGen C0033788, MONDO:0018931, OMIM 252600.
Mucolipidosis type II. Also called: ML II ALPHA/BETA; Mucolipidosis 2; ML 2; Inclusion cell disease; Leroy Disease; N-acetylglucosamine 1phosphotransferase deficiency. Identifiers: Orphanet 576, MedGen C2673377, MONDO:0009650, OMIM 252500.

Submission:

Labcorp Genetics (formerly Invitae), Labcorp
Classification: Uncertain significance for Pseudo-Hurler polydystrophy; Mucolipidosis type II. Last evaluated: 2021-11-02. Review status: criteria provided, single submitter. Criteria: Invitae Variant Classification Sherloc (09022015). Collection method: clinical testing. Allele origin: germline.
Comment: This sequence change replaces glutamine, which is neutral and polar, with glutamic acid, which is acidic and polar, at codon 48 of the GNPTAB protein (p.Gln48Glu). This variant is not present in population databases (gnomAD no frequency). This variant has not been reported in the literature in individuals affected with GNPTAB-related conditions. Advanced modeling of protein sequence and biophysical properties (such as structural, functional, and spatial information, amino acid conservation, physicochemical variation, residue mobility, and thermodynamic stability) performed at Invitae indicates that this missense variant is not expected to disrupt GNPTAB protein function. In summary, the available evidence is currently insufficient to determine the role of this variant in disease. Therefore, it has been classified as a Variant of Uncertain Significance.